The following is an entry in ClinVar:

NM_138704.4(NSMCE3):c.902C>T (p.Ala301Val)

Genes: ENTREP2 (endosomal transmembrane epsin interactor 2; minus strand), NSMCE3 (NSE3 homolog, SMC5-SMC6 complex component; minus strand). Cytogenetic location: 15q13.1.
Variant type: single nucleotide variant.
Coding change: c.902C>T on transcript NM_138704.4 (MANE Select); coding-DNA position 902, C replaced by T.
Protein change: p.Ala301Val; replaces alanine 301 with valine.
Molecular consequence: missense variant. On other transcripts: intron variant (5).
Genome position (GRCh38, 1-based): chr15:29,268,804, G>A on the plus strand (C>T on the coding strand, the complement: NSMCE3 is on the minus strand). VCF-style: chr15-29268804-G-A. GRCh37 (hg19) VCF-style: chr15-29561008-G-A.
Other names: c.-12-16326C>T (NM_001387217.1, NM_001387215.1, NM_001387216.1); c.277-16326C>T (NM_001387214.1, NM_015307.2); short protein forms A301V.
Identifiers: ClinVar variation 1462904 (VCV001462904.5), dbSNP rs1163030015, ClinGen allele CA391483234.

ClinVar aggregate classification (germline): Uncertain significance (1 of 4 stars; one submission).

Allele frequency attached by ClinVar (database versions not stated): TOPMed below 0.00001; gnomAD exomes 0.00001.
gnomAD v4.1: 17 of 1,609,476 alleles (0.0011%); highest among the groups gnomAD compares: Non-Finnish European, 0.0014%; no homozygotes.

Submission:

Labcorp Genetics (formerly Invitae), Labcorp
Classification: Uncertain significance. Last evaluated: 2022-07-12. Review status: criteria provided, single submitter. Criteria: Invitae Variant Classification Sherloc (09022015). Collection method: clinical testing. Allele origin: germline.
Comment: This sequence change replaces alanine, which is neutral and non-polar, with valine, which is neutral and non-polar, at codon 301 of the NSMCE3 protein (p.Ala301Val). This variant is not present in population databases (gnomAD no frequency). This variant has not been reported in the literature in individuals affected with NSMCE3-related conditions. ClinVar contains an entry for this variant (Variation ID: 1462904). Algorithms developed to predict the effect of missense changes on protein structure and function (SIFT, PolyPhen-2, Align-GVGD) all suggest that this variant is likely to be tolerated. In summary, the available evidence is currently insufficient to determine the role of this variant in disease. Therefore, it has been classified as a Variant of Uncertain Significance.